The following is an entry in ClinVar:

NM_005050.4(ABCD4):c.1529A>G (p.Glu510Gly)

Gene: ABCD4 (ATP binding cassette subfamily D member 4; minus strand). Cytogenetic location: 14q24.3.
Variant type: single nucleotide variant.
Coding change: c.1529A>G on transcript NM_005050.4 (MANE Select); coding-DNA position 1529, A replaced by G.
Protein change: p.Glu510Gly; replaces glutamic acid 510 with glycine.
Molecular consequence: missense variant. On other transcripts: non-coding transcript variant (10).
Genome position (GRCh38, 1-based): chr14:74,288,237, T>C on the plus strand (A>G on the coding strand, the complement: ABCD4 is on the minus strand). VCF-style: chr14-74288237-T-C. GRCh37 (hg19) VCF-style: chr14-74754940-T-C.
Other names: c.1403A>G, p.Glu468Gly (NM_001353591.2, NM_001353592.2); c.1268A>G, p.Glu423Gly (NM_001353593.2); c.1217A>G, p.Glu406Gly (NM_001353594.2); c.1115A>G, p.Glu372Gly (NM_001353595.2, NM_001353596.2); c.1064A>G, p.Glu355Gly (NM_001353597.2); c.1052A>G, p.Glu351Gly (NM_001353598.2, NM_001353599.2, NM_001353600.2 and 2 more transcripts); c.740A>G, p.Glu247Gly (NM_001353602.2, NM_001353603.2, NM_001353604.2 and 5 more transcripts); c.796A>G, p.Arg266Gly (NM_001353610.2); and 1 more; short protein forms E247G, E351G, E355G, E372G, E406G, E423G, E468G, E510G.
Identifiers: ClinVar variation 1306294 (VCV001306294.2), dbSNP rs752015330, ClinGen allele CA7266721.

ClinVar aggregate classification (germline): Uncertain significance (1 of 4 stars; one submission).

Allele frequency attached by ClinVar (database versions not stated): ExAC 0.00002; gnomAD exomes 0.00003 and 0.00009; gnomAD 0.00005; TOPMed 0.00005.
gnomAD v4.1: 130 of 1,611,284 alleles (0.0081%); highest among the groups gnomAD compares: Non-Finnish European, 0.011%; no homozygotes.

Submission:

GeneDx
Classification: Uncertain significance. Last evaluated: 2019-05-30. Review status: criteria provided, single submitter. Criteria: GeneDx Variant Classification Process June 2021. Collection method: clinical testing. Allele origin: germline. Affected: yes.
Comment: Not observed at a significant frequency in large population cohorts (Lek et al., 2016); In silico analysis, which includes protein predictors and evolutionary conservation, supports that this variant does not alter protein structure/function; Has not been previously published as pathogenic or benign to our knowledge